The following is an entry in ClinVar:

NM_000117.3(EMD):c.143dup (p.Ser49fs)

Gene: EMD (emerin; plus strand). Cytogenetic location: Xq28.
Variant type: Duplication.
Coding change: c.143dup on transcript NM_000117.3 (MANE Select); coding-DNA position 143, one base duplicated (T; older notation c.143dupT).
Protein change: p.Ser49fs; shifts the reading frame from serine 49.
Molecular consequence: frameshift variant.
Genome position (GRCh38, 1-based): chrX:154,379,750, T duplicated. VCF-style (leftmost placement, unchanged base first): chrX-154379749-C-CT. GRCh37 (hg19) VCF-style: chrX-153608109-C-CT.
Other names: short protein forms S49fs.
Identifiers: ClinVar variation 2716920 (VCV002716920.3), dbSNP rs2522787619, ClinGen allele CA2697544774.

ClinVar aggregate classification (germline): Pathogenic (1 of 4 stars; one submission).

Conditions:
X-linked Emery-Dreifuss muscular dystrophy. Also called: Muscular dystrophy, tardive Emery-Dreifuss type, with contractures. Identifiers: Orphanet 261, Orphanet 98863, MedGen C0751337, MONDO:0010680.

Submission:

Labcorp Genetics (formerly Invitae), Labcorp
Classification: Pathogenic for X-linked Emery-Dreifuss muscular dystrophy. Last evaluated: 2023-06-15. Review status: criteria provided, single submitter. Criteria: Invitae Variant Classification Sherloc (09022015). Collection method: clinical testing. Allele origin: germline.
Comment: This variant has not been reported in the literature in individuals affected with EMD-related conditions. For these reasons, this variant has been classified as Pathogenic. This variant is not present in population databases (gnomAD no frequency). This sequence change creates a premature translational stop signal (p.Ser49Leufs*12) in the EMD gene. It is expected to result in an absent or disrupted protein product. Loss-of-function variants in EMD are known to be pathogenic (PMID: 24365856).

Literature cited by the submitters: PubMed 24365856.